The following is an entry in ClinVar:

NM_003579.4(RAD54L):c.1168A>G (p.Arg390Gly)

Gene: RAD54L (RAD54 like; plus strand). Cytogenetic location: 1p34.1.
Variant type: single nucleotide variant.
Coding change: c.1168A>G on transcript NM_003579.4 (MANE Select); coding-DNA position 1168, A replaced by G.
Protein change: p.Arg390Gly; replaces arginine 390 with glycine.
Molecular consequence: missense variant.
Genome position (GRCh38, 1-based): chr1:46,270,784, A>G. VCF-style: chr1-46270784-A-G. GRCh37 (hg19) VCF-style: chr1-46736456-A-G.
Other names: c.1168A>G, p.Arg390Gly (NM_001142548.2); c.628A>G, p.Arg210Gly (NM_001370766.1); short protein forms R390G, R210G.
Identifiers: ClinVar variation 3429802 (VCV003429802.1).
Genomic context (GRCh38, chr1:46,270,784, plus strand): 5'-AGTGAGGCAGACAGGCAGCTAGGAGAGGAGCGGCTGCGGGAGCTCACCAGCATTGTGAAT[A>G]GGTAATGACCTTAAGCGAAGTCATTAGAATTGCCTCCCAAACCATCCATGGCCAATCCTT-3'
Protein context (NP_003570.2, residues 380-400): RLRELTSIVN[Arg390Gly]CLIRRTSDIL

ClinVar aggregate classification (germline): Uncertain significance (1 of 4 stars; one submission).

Submission:

Ambry Genetics
Classification: Uncertain significance. Last evaluated: 2024-08-12. Review status: criteria provided, single submitter. Criteria: Ambry Variant Classification Scheme 2023. Collection method: clinical testing. Allele origin: germline.
Comment: The p.R390G variant (also known as c.1168A>G), located in coding exon 10 of the RAD54L gene, results from an A to G substitution at nucleotide position 1168. The arginine at codon 390 is replaced by glycine, an amino acid with dissimilar properties. This amino acid position is conserved. In addition, this alteration is predicted to be deleterious by in silico analysis. Based on the available evidence, the clinical significance of this variant remains unclear.